The following is an entry in ClinVar:

ClinVar aggregate classification (germline): Uncertain significance. Review status: criteria provided, multiple submitters, no conflicts (2 of 4 stars). 2 submissions from 2 submitters: Uncertain significance (2). Last evaluated 2025-11-16.

Conditions:
Hereditary pancreatitis (PCTT). Also called: Hereditary chronic pancreatitis; PRSS1-Related Hereditary Pancreatitis. Identifiers: Orphanet 676, MedGen C0238339, MONDO:0008185, OMIM 167800.

Allele frequency attached by ClinVar (database versions not stated): gnomAD 0.00001; TOPMed 0.00003; gnomAD exomes 0.00004; ExAC 0.00006.

Submissions (2):

Labcorp Genetics (formerly Invitae), Labcorp
Classification: Uncertain significance. Last evaluated: 2025-11-16. Review status: criteria provided, single submitter. Criteria: Invitae Variant Classification Sherloc (09022015). Collection method: clinical testing. Allele origin: germline.
Comment: This sequence change replaces serine, which is neutral and polar, with leucine, which is neutral and non-polar, at codon 95 of the CPA1 protein (p.Ser95Leu). This variant is present in population databases (rs375929600, gnomAD 0.009%). This variant has not been reported in the literature in individuals affected with CPA1-related conditions. ClinVar contains an entry for this variant (Variation ID: 1058448). Invitae Evidence Modeling of protein sequence and biophysical properties (such as structural, functional, and spatial information, amino acid conservation, physicochemical variation, residue mobility, and thermodynamic stability) indicates that this missense variant is not expected to disrupt CPA1 protein function with a negative predictive value of 80%. In summary, the available evidence is currently insufficient to determine the role of this variant in disease. Therefore, it has been classified as a Variant of Uncertain Significance.

Ambry Genetics
Classification: Uncertain significance for Hereditary pancreatitis. Last evaluated: 2025-03-20. Review status: criteria provided, single submitter. Criteria: Ambry Variant Classification Scheme 2023. Collection method: clinical testing. Allele origin: germline.
Comment: The p.S95L variant (also known as c.284C>T), located in coding exon 3 of the CPA1 gene, results from a C to T substitution at nucleotide position 284. The serine at codon 95 is replaced by leucine, an amino acid with dissimilar properties. This amino acid position is not well conserved in available vertebrate species, and leucine is the reference amino acid in other vertebrate species. In addition, this alteration is predicted to be tolerated by in silico analysis. Since supporting evidence is limited at this time, the clinical significance of this alteration remains unclear.

NM_001868.4(CPA1):c.284C>T (p.Ser95Leu)

Gene: CPA1 (carboxypeptidase A1; plus strand). Cytogenetic location: 7q32.2.
Variant type: single nucleotide variant.
Coding change: c.284C>T on transcript NM_001868.4 (MANE Select); coding-DNA position 284, C replaced by T.
Protein change: p.Ser95Leu; replaces serine 95 with leucine.
Molecular consequence: missense variant.
Genome position (GRCh38, 1-based): chr7:130,381,766, C>T. VCF-style: chr7-130381766-C-T. GRCh37 (hg19) VCF-style: chr7-130021607-C-T.
Other names: short protein forms S95L.
Identifiers: ClinVar variation 1058448 (VCV001058448.12), dbSNP rs375929600, ClinGen allele CA4484743.